The following is an entry in ClinVar:

NM_000092.5(COL4A4):c.2383+1G>T

Gene: COL4A4 (collagen type IV alpha 4 chain; minus strand). Cytogenetic location: 2q36.3.
Variant type: single nucleotide variant.
Coding change: c.2383+1G>T on transcript NM_000092.5 (MANE Select); the canonical splice donor site of the intron after coding-DNA position 2383, G replaced by T.
Molecular consequence: splice donor variant.
Genome position (GRCh38, 1-based): chr2:227,059,404, C>A on the plus strand (G>T on the coding strand, the complement: COL4A4 is on the minus strand). VCF-style: chr2-227059404-C-A. GRCh37 (hg19) VCF-style: chr2-227924120-C-A.
Identifiers: ClinVar variation 2444126 (VCV002444126.1), dbSNP rs2474215752, ClinGen allele CA350841798.

ClinVar aggregate classification (germline): Likely pathogenic (1 of 4 stars; one submission).

Conditions:
Benign familial hematuria. Also called: thin basement membrane disease. Identifiers: MedGen C0241908, MONDO:0957317.

Submission:

3billion
Classification: Likely pathogenic for Hematuria, benign familial, 1. Last evaluated: 2023-02-23. Review status: criteria provided, single submitter. Criteria: ACMG Guidelines, 2015. Collection method: clinical testing. Allele origin: unknown. Affected: yes.
Comment: The variant is not observed in the gnomAD v2.1.1 dataset. This variant was predicted to alter splicing and result in a loss or disruption of normal protein function. Multiple pathogenic loss-of-function variants are reported downstream of the variant. Therefore, this variant is classified as Likely pathogenic according to the recommendation of ACMG/AMP guideline.